The following is an entry in ClinVar:

NM_004304.5(ALK):c.1844G>T (p.Trp615Leu)

Gene: ALK (ALK receptor tyrosine kinase; minus strand). Cytogenetic location: 2p23.2.
Variant type: single nucleotide variant.
Coding change: c.1844G>T on transcript NM_004304.5 (MANE Select); coding-DNA position 1844, G replaced by T.
Protein change: p.Trp615Leu; replaces tryptophan 615 with leucine.
Molecular consequence: missense variant.
Genome position (GRCh38, 1-based): chr2:29,275,470, C>A on the plus strand (G>T on the coding strand, the complement: ALK is on the minus strand). VCF-style: chr2-29275470-C-A. GRCh37 (hg19) VCF-style: chr2-29498336-C-A.
Other names: short protein forms W615L.
Identifiers: ClinVar variation 1041539 (VCV001041539.12), dbSNP rs1665517386, ClinGen allele CA346480000.
Genomic context (GRCh38, chr2:29,275,470, plus strand): 5'-TAGCAGTCCAGGCTGATGGAGATATTGTCAAAAGCCACGATGGCTCTGGATCCTTGTCCC[C>A]ACCATGCGACCATCTGCAGCCAGAACCTGTACACATCAAGAGGAATGTGTGTGAGGAGCA-3'
Protein context (NP_004295.2, residues 605-625): DRFWLQMVAW[Trp615Leu]GQGSRAIVAF

ClinVar aggregate classification (germline): Uncertain significance. Review status: criteria provided, multiple submitters, no conflicts (2 of 4 stars). 2 submissions from 2 submitters: Uncertain significance (2). Last evaluated 2025-03-28.

Conditions:
Neuroblastoma, susceptibility to, 3. Also called: ALK-Related Neuroblastic Tumor Susceptibility. Identifiers: Orphanet 635, MedGen C2751681, MONDO:0013083, OMIM 613014.
Hereditary cancer-predisposing syndrome. Also called: Hereditary neoplastic syndrome; Neoplastic Syndromes, Hereditary; Tumor predisposition; Hereditary Cancer Syndrome. Identifiers: Orphanet 140162, MedGen C0027672, MeSH D009386, MONDO:0015356.

gnomAD v4.1: 2 of 1,614,140 alleles (0.00012%); highest among the groups gnomAD compares: African/African-American, 0.0013%; no homozygotes.

Submissions (2):

Ambry Genetics
Classification: Uncertain significance for Hereditary cancer-predisposing syndrome. Last evaluated: 2025-03-28. Review status: criteria provided, single submitter. Criteria: Ambry Variant Classification Scheme 2023. Collection method: clinical testing. Allele origin: germline.
Comment: The p.W615L variant (also known as c.1844G>T), located in coding exon 10 of the ALK gene, results from a G to T substitution at nucleotide position 1844. The tryptophan at codon 615 is replaced by leucine, an amino acid with similar properties. This amino acid position is conserved. In addition, this alteration is predicted to be tolerated by in silico analysis. Since supporting evidence is limited at this time, the clinical significance of this alteration remains unclear.

Labcorp Genetics (formerly Invitae), Labcorp
Classification: Uncertain significance for Neuroblastoma, susceptibility to, 3. Last evaluated: 2024-02-19. Review status: criteria provided, single submitter. Criteria: Invitae Variant Classification Sherloc (09022015). Collection method: clinical testing. Allele origin: germline.
Comment: This sequence change replaces tryptophan, which is neutral and slightly polar, with leucine, which is neutral and non-polar, at codon 615 of the ALK protein (p.Trp615Leu). This variant is not present in population databases (gnomAD no frequency). This variant has not been reported in the literature in individuals affected with ALK-related conditions. ClinVar contains an entry for this variant (Variation ID: 1041539). An algorithm developed to predict the effect of missense changes on protein structure and function (PolyPhen-2) suggests that this variant is likely to be disruptive. In summary, the available evidence is currently insufficient to determine the role of this variant in disease. Therefore, it has been classified as a Variant of Uncertain Significance.